The following is an entry in ClinVar:

ClinVar aggregate classification (germline): Conflicting classifications of pathogenicity. Review status: criteria provided, conflicting classifications (1 of 4 stars). 3 submissions from 3 submitters: Likely pathogenic (1); Uncertain significance (2). Last evaluated 2022-12-08.

Conditions:
RASopathy. Also called: Noonan spectrum disorder; rasopathies. Identifiers: Orphanet 536391, MedGen C5555857, MONDO:0021060.
BRAF-related disorder. Also called: BRAF-related condition.

Allele frequency attached by ClinVar (database versions not stated): gnomAD exomes below 0.00001.
gnomAD v4.1: 1 of 1,613,284 alleles (0.000062%); no homozygotes.

Submissions (3):

Women's Health and Genetics/Laboratory Corporation of America, LabCorp
Classification: Uncertain significance. Last evaluated: 2022-12-08. Review status: criteria provided, single submitter. Criteria: LabCorp Variant Classification Summary - May 2015. Collection method: clinical testing. Allele origin: germline.
Comment: Variant summary: BRAF c.1441G>A (p.Ala481Thr) results in a non-conservative amino acid change located in the Protein kinase domain (IPR000719) of the encoded protein sequence. Four of four in-silico tools predict a damaging effect of the variant on protein function. The variant was absent in 251304 control chromosomes (gnomAD). The available data on variant occurrences in the general population are insufficient to allow any conclusion about variant significance. To our knowledge, no occurrence of c.1441G>A in individuals affected with Cardiofaciocutaneous Syndrome and no experimental evidence demonstrating its impact on protein function have been reported. No clinical diagnostic laboratories have submitted clinical-significance assessments for this variant to ClinVar after 2014. Based on the evidence outlined above, the variant was classified as uncertain significance.

Labcorp Genetics (formerly Invitae), Labcorp
Classification: Uncertain significance for RASopathy. Last evaluated: 2022-09-23. Review status: criteria provided, single submitter. Criteria: Invitae Variant Classification Sherloc (09022015). Collection method: clinical testing. Allele origin: germline.
Comment: This sequence change replaces alanine, which is neutral and non-polar, with threonine, which is neutral and polar, at codon 481 of the BRAF protein (p.Ala481Thr). This variant is not present in population databases (gnomAD no frequency). This variant has not been reported in the literature in individuals affected with BRAF-related conditions. Advanced modeling of protein sequence and biophysical properties (such as structural, functional, and spatial information, amino acid conservation, physicochemical variation, residue mobility, and thermodynamic stability) performed at Invitae indicates that this missense variant is expected to disrupt BRAF protein function. In summary, the available evidence is currently insufficient to determine the role of this variant in disease. Therefore, it has been classified as a Variant of Uncertain Significance.

Blueprint Genetics
Classification: Likely pathogenic for BRAF-related disorders. Last evaluated: 2017-10-11. Review status: criteria provided, single submitter. Criteria: ACMG Guidelines, 2015. Collection method: clinical testing. Allele origin: germline. Affected: yes. Observed: 1 variant allele.

NM_004333.6(BRAF):c.1441G>A (p.Ala481Thr)

Gene: BRAF (B-Raf proto-oncogene, serine/threonine kinase; minus strand). Cytogenetic location: 7q34.
Variant type: single nucleotide variant.
Coding change: c.1441G>A on transcript NM_004333.6 (MANE Select); coding-DNA position 1441, G replaced by A.
Protein change: p.Ala481Thr; replaces alanine 481 with threonine.
Molecular consequence: missense variant.
Genome position (GRCh38, 1-based): chr7:140,778,067, C>T on the plus strand (G>A on the coding strand, the complement: BRAF is on the minus strand). VCF-style: chr7-140778067-C-T. GRCh37 (hg19) VCF-style: chr7-140477867-C-T.
Other names: c.1441G>A, p.Ala481Thr (NM_001354609.2, NM_001378468.1, NM_001378474.1); c.1561G>A, p.Ala521Thr (NM_001374244.1, NM_001374258.1); c.1450G>A, p.Ala484Thr (NM_001378467.1); c.1375G>A, p.Ala459Thr (NM_001378469.1); c.1339G>A, p.Ala447Thr (NM_001378470.1); c.1330G>A, p.Ala444Thr (NM_001378471.1); c.1285G>A, p.Ala429Thr (NM_001378472.1, NM_001378473.1); c.1177G>A, p.Ala393Thr (NM_001378475.1); short protein forms A444T, A393T, A429T, A481T, A447T, A459T, A484T, A521T.
Identifiers: ClinVar variation 1814974 (VCV001814974.7), dbSNP rs2129019707, ClinGen allele CA369588505.
Genomic context (GRCh38, chr7:140,778,067, plus strand): 5'-CATTTTTGAAGGCTTGTAACTGCTGAGGTGTAGGTGCTGTCACATTCAACATTTTCACTG[C>T]CACATCACCTAAAAGGCAATTGTTACTCCAAGTGTCATTTCAATTTTTAAAATTTAAAAG-3'
Protein context (NP_004324.2, residues 471-491): VYKGKWHGDV[Ala481Thr]VKMLNVTAPT